The following is an entry in ClinVar:

ClinVar aggregate classification (germline): Uncertain significance (1 of 4 stars; one submission).

Conditions:
BMP15-related disorder. Also called: BMP15-related condition.

Submission:

PreventionGenetics, part of Exact Sciences
Classification: Uncertain significance for BMP15-related condition. Last evaluated: 2025-06-20. Review status: criteria provided, single submitter. Criteria: ACMG Guidelines, 2015. Collection method: clinical testing. Allele origin: germline.
Comment: The BMP15 c.668G>A variant is predicted to result in the amino acid substitution p.Gly223Asp. To our knowledge, this variant has not been reported in the literature or in a large population database (gnomAD), indicating this variant is rare. At this time, the clinical significance of this variant is uncertain due to the absence of conclusive functional and genetic evidence.

NM_005448.2(BMP15):c.668G>A (p.Gly223Asp)

Gene: BMP15 (bone morphogenetic protein 15; plus strand). Cytogenetic location: Xp11.22.
Variant type: single nucleotide variant.
Coding change: c.668G>A on transcript NM_005448.2 (MANE Select); coding-DNA position 668, G replaced by A.
Protein change: p.Gly223Asp; replaces glycine 223 with aspartic acid.
Molecular consequence: missense variant.
Genome position (GRCh38, 1-based): chrX:50,916,096, G>A. VCF-style: chrX-50916096-G-A. GRCh37 (hg19) VCF-style: chrX-50659096-G-A.
Other names: short protein forms G223D.
Identifiers: ClinVar variation 4977732 (VCV004977732.1).